The following is an entry in ClinVar:

NM_000038.6(APC):c.3016C>A (p.His1006Asn)

Gene: APC (APC regulator of Wnt signaling pathway; plus strand). Cytogenetic location: 5q22.2.
Variant type: single nucleotide variant.
Coding change: c.3016C>A on transcript NM_000038.6 (MANE Select); coding-DNA position 3016, C replaced by A.
Protein change: p.His1006Asn; replaces histidine 1006 with asparagine.
Molecular consequence: missense variant.
Genome position (GRCh38, 1-based): chr5:112,838,610, C>A. VCF-style: chr5-112838610-C-A. GRCh37 (hg19) VCF-style: chr5-112174307-C-A.
Other names: c.3016C>A, p.His1006Asn (NM_001127510.3, NM_001354895.2); c.2962C>A, p.His988Asn (NM_001127511.3); c.3070C>A, p.His1024Asn (NM_001354896.2); c.3046C>A, p.His1016Asn (NM_001354897.2); c.2941C>A, p.His981Asn (NM_001354898.2); c.2932C>A, p.His978Asn (NM_001354899.2); c.2893C>A, p.His965Asn (NM_001354900.2); c.2839C>A, p.His947Asn (NM_001354901.2); and 5 more; short protein forms H1006N, H988N, H1016N, H965N, H723N, H846N, H915N, H905N.
Identifiers: ClinVar variation 631365 (VCV000631365.13), dbSNP rs879253876, ClinGen allele CA16027926.
Genomic context (GRCh38, chr5:112,838,610, plus strand): 5'-TATTCTGAAGATGATGAAAGTAAGTTTTGCAGTTATGGTCAATACCCAGCCGACCTAGCC[C>A]ATAAAATACATAGTGCAAATCATATGGATGATAATGATGGAGAACTAGATACACCAATAA-3'
Protein context (NP_000029.2, residues 996-1016): SYGQYPADLA[His1006Asn]KIHSANHMDD

ClinVar aggregate classification (germline): Uncertain significance. Review status: criteria provided, multiple submitters, no conflicts (2 of 4 stars). 5 submissions from 5 submitters: Uncertain significance (5). Last evaluated 2024-06-03.

Conditions:
Hereditary cancer-predisposing syndrome. Also called: Tumor predisposition; Neoplastic Syndromes, Hereditary; Hereditary neoplastic syndrome; Hereditary Cancer Syndrome. Identifiers: Orphanet 140162, MedGen C0027672, MeSH D009386, MONDO:0015356.
Familial adenomatous polyposis 1 (FAP1). Also called: POLYPOSIS, ADENOMATOUS INTESTINAL; FAMILIAL ADENOMATOUS POLYPOSIS 1, ATTENUATED. Identifiers: MedGen C2713442, MONDO:0021056, OMIM 175100. Disease mechanism: loss of function.

gnomAD v4.1: 2 of 1,614,056 alleles (0.00012%); highest among the groups gnomAD compares: Non-Finnish European, 0.00017%; no homozygotes.

Submissions (5):

Ambry Genetics
Classification: Uncertain significance for Hereditary cancer-predisposing syndrome. Last evaluated: 2024-06-03. Review status: criteria provided, single submitter. Criteria: Ambry Variant Classification Scheme 2023. Collection method: clinical testing. Allele origin: germline.
Comment: The p.H1006N variant (also known as c.3016C>A), located in coding exon 15 of the APC gene, results from a C to A substitution at nucleotide position 3016. The histidine at codon 1006 is replaced by asparagine, an amino acid with similar properties. This amino acid position is highly conserved in available vertebrate species. In addition, in silico predictors for this gene do not accurately predict pathogenicity. Since supporting evidence is limited at this time, the clinical significance of this alteration remains unclear.

Baylor Genetics
Classification: Uncertain significance for Familial adenomatous polyposis 1. Last evaluated: 2023-06-01. Review status: criteria provided, single submitter. Criteria: ACMG Guidelines, 2015. Collection method: clinical testing. Allele origin: unknown.

Labcorp Genetics (formerly Invitae), Labcorp
Classification: Uncertain significance for Familial adenomatous polyposis 1. Last evaluated: 2022-12-16. Review status: criteria provided, single submitter. Criteria: Invitae Variant Classification Sherloc (09022015). Collection method: clinical testing. Allele origin: germline.
Comment: This sequence change replaces histidine, which is basic and polar, with asparagine, which is neutral and polar, at codon 1006 of the APC protein (p.His1006Asn). This variant is not present in population databases (gnomAD no frequency). This variant has not been reported in the literature in individuals affected with APC-related conditions. ClinVar contains an entry for this variant (Variation ID: 631365). Advanced modeling of protein sequence and biophysical properties (such as structural, functional, and spatial information, amino acid conservation, physicochemical variation, residue mobility, and thermodynamic stability) performed at Invitae indicates that this missense variant is not expected to disrupt APC protein function. In summary, the available evidence is currently insufficient to determine the role of this variant in disease. Therefore, it has been classified as a Variant of Uncertain Significance.

GeneDx
Classification: Uncertain significance. Last evaluated: 2021-01-21. Review status: criteria provided, single submitter. Criteria: GeneDx Variant Classification Process June 2021. Collection method: clinical testing. Allele origin: germline. Affected: yes.
Comment: Not observed in large population cohorts (Lek 2016); In silico analysis supports that this missense variant does not alter protein structure/function; Has not been previously published as pathogenic or benign to our knowledge

Color Diagnostics, LLC DBA Color Health
Classification: Uncertain significance for Hereditary cancer-predisposing syndrome. Last evaluated: 2019-08-26. Review status: criteria provided, single submitter. Criteria: ACMG Guidelines, 2015. Collection method: clinical testing. Allele origin: germline.
Comment: This missense variant replaces histidine with asparagine at codon 1006 of the APC protein. Computational prediction tools and conservation analyses are inconclusive regarding the impact of this variant on protein structure and function. Splice site prediction tools suggest that this variant may not impact RNA splicing. To our knowledge, functional studies have not been performed for this variant. This variant has not been reported in individuals affected with hereditary cancer in the literature. This variant has not been identified in the general population by the Genome Aggregation Database (gnomAD). The available evidence is insufficient to determine the role of this variant in disease conclusively. Therefore, this variant is classified as a Variant of Uncertain Significance.